The following is an entry in ClinVar:

NM_004371.4(COPA):c.3425G>A (p.Arg1142Gln)

Gene: COPA (coat protein complex I subunit alpha; minus strand). Cytogenetic location: 1q23.2.
Variant type: single nucleotide variant.
Coding change: c.3425G>A on transcript NM_004371.4 (MANE Select); coding-DNA position 3425, G replaced by A.
Protein change: p.Arg1142Gln; replaces arginine 1142 with glutamine.
Molecular consequence: missense variant.
Genome position (GRCh38, 1-based): chr1:160,290,682, C>T on the plus strand (G>A on the coding strand, the complement: COPA is on the minus strand). VCF-style: chr1-160290682-C-T. GRCh37 (hg19) VCF-style: chr1-160260472-C-T.
Other names: c.3452G>A, p.Arg1151Gln (NM_001098398.2); c.3452G>A (NM_001098398.1); short protein forms R1151Q, R1142Q.
Identifiers: ClinVar variation 846768 (VCV000846768.3), dbSNP rs768877876, ClinGen allele CA1197618.
Genomic context (GRCh38, chr1:160,290,682, plus strand): 5'-ATGTCATAATTGAGCTGGTAGGCATCTGTGGGATTCTTCTCACAGGCAGACAGGATTTTT[C>T]GGGTCTAGGGGAAGGAAGGAGTATTTAGGAGGACAGAAGGCTGCAGACAACACCTCAAAG-3'
Protein context (NP_004362.2, residues 1132-1152): GPKPEVAQQT[Arg1142Gln]KILSACEKNP

ClinVar aggregate classification (germline): Uncertain significance. Review status: criteria provided, multiple submitters, no conflicts (2 of 4 stars). 2 submissions from 2 submitters: Uncertain significance (2). Last evaluated 2024-12-05.

Conditions:
Inborn genetic diseases. Identifiers: MedGen C0950123, MeSH D030342.
Autoimmune interstitial lung disease-arthritis syndrome. Also called: Autoinflammation and autoimmunity, systemic, with immune dysregulation. Identifiers: Orphanet 444092, MedGen C5975714, MONDO:0014629.

Allele frequency attached by ClinVar (database versions not stated): gnomAD exomes 0.00001 and 0.00002; TOPMed 0.00001; ExAC 0.00002.
gnomAD v4.1: 18 of 1,613,880 alleles (0.0011%); highest among the groups gnomAD compares: African/African-American, 0.008%; no homozygotes.

Submissions (2):

Labcorp Genetics (formerly Invitae), Labcorp
Classification: Uncertain significance for Autoimmune interstitial lung disease-arthritis syndrome. Last evaluated: 2024-12-05. Review status: criteria provided, single submitter. Criteria: Invitae Variant Classification Sherloc (09022015). Collection method: clinical testing. Allele origin: germline.
Comment: This sequence change replaces arginine, which is basic and polar, with glutamine, which is neutral and polar, at codon 1142 of the COPA protein (p.Arg1142Gln). This variant is present in population databases (rs768877876, gnomAD 0.006%). This variant has not been reported in the literature in individuals affected with COPA-related conditions. ClinVar contains an entry for this variant (Variation ID: 846768). Invitae Evidence Modeling of protein sequence and biophysical properties (such as structural, functional, and spatial information, amino acid conservation, physicochemical variation, residue mobility, and thermodynamic stability) indicates that this missense variant is not expected to disrupt COPA protein function with a negative predictive value of 80%. In summary, the available evidence is currently insufficient to determine the role of this variant in disease. Therefore, it has been classified as a Variant of Uncertain Significance.

Ambry Genetics
Classification: Uncertain significance for Inborn genetic diseases. Last evaluated: 2024-07-10. Review status: criteria provided, single submitter. Criteria: Ambry Variant Classification Scheme 2023. Collection method: clinical testing. Allele origin: germline.